The following is an entry in ClinVar:

NM_139321.3(ATRN):c.2892C>T (p.Tyr964=)

Gene: ATRN (attractin; plus strand). Cytogenetic location: 20p13.
Variant type: single nucleotide variant.
Coding change: c.2892C>T on transcript NM_139321.3 (MANE Select); coding-DNA position 2892, C replaced by T.
Protein change: p.Tyr964=; no amino-acid change (tyrosine 964 retained).
Molecular consequence: synonymous variant.
Genome position (GRCh38, 1-based): chr20:3,584,025, C>T. VCF-style: chr20-3584025-C-T. GRCh37 (hg19) VCF-style: chr20-3564672-C-T.
Other names: c.2544C>T, p.Tyr848= (NM_001207047.3); c.2892C>T, p.Tyr964= (NM_001323332.2, NM_139322.4); c.2892C>T (NM_139321.2).
Identifiers: ClinVar variation 1165620 (VCV001165620.12), dbSNP rs235540, ClinGen allele CA9744365.
Genomic context (GRCh38, chr20:3,584,025, plus strand): 5'-CGGCAGCTCTGAGTGCATGTGGTGCAGCAACATGAAGCAGTGTGTGGACTCCAATGCCTA[C>T]GTGGCCTCCTTCCCTTTTGGCCAGTGTATGGAATGGTATACGATGAGCACCTGCCCCCGT-3'
Protein context (NP_647537.1, residues 954-974): NMKQCVDSNA[Tyr964=]VASFPFGQCM

ClinVar aggregate classification (germline): Benign. Review status: criteria provided, multiple submitters, no conflicts (2 of 4 stars). 3 submissions from 3 submitters: Benign (2). 1 of the submissions does not count toward it. Last evaluated 2026-02-03.

Conditions:
ATRN-related disorder. Also called: ATRN-related condition.

Allele frequency attached by ClinVar (database versions not stated): ESP Exome Variant Server 0.73105; gnomAD exomes 0.74892 and 0.79028; TOPMed 0.74810; ExAC 0.78704; gnomAD 0.74399 and 0.75249; 1000 Genomes Project 30x 0.81964; 1000 Genomes Project 0.82448.
gnomAD v4.1: 1,210,110 of 1,613,770 alleles (75%); highest among the groups gnomAD compares: East Asian, 99%; 456,948 homozygotes.

Submissions (3):

Labcorp Genetics (formerly Invitae), Labcorp
Classification: Benign. Last evaluated: 2026-02-03. Review status: criteria provided, single submitter. Criteria: Invitae Variant Classification Sherloc (09022015). Collection method: clinical testing. Allele origin: germline.

Breakthrough Genomics
Classification: Benign. Review status: criteria provided, single submitter. Criteria: ACMG Guidelines, 2015. Collection method: not provided. Allele origin: germline. Inheritance: Unknown mechanism. Affected: yes.

PreventionGenetics, part of Exact Sciences
Classification: Benign for ATRN-related condition. Last evaluated: 2024-07-29. Review status: no assertion criteria provided. Collection method: clinical testing. Allele origin: germline. Not counted in ClinVar's aggregate classification.
Comment: This variant is classified as benign based on ACMG/AMP sequence variant interpretation guidelines (Richards et al. 2015 PMID: 25741868, with internal and published modifications).